The following is an entry in ClinVar:

ClinVar aggregate classification (germline): Uncertain significance. Review status: criteria provided, multiple submitters, no conflicts (2 of 4 stars). 6 submissions from 6 submitters: Uncertain significance (6). Last evaluated 2026-04-17.

Conditions:
BBS12-related disorder. Also called: BBS12-related condition.
Bardet-Biedl syndrome 12 (BBS12). Identifiers: Orphanet 110, MedGen C1859570, MONDO:0014440, OMIM 615989.
Bardet-Biedl syndrome (BBS). Identifiers: Orphanet 110, MedGen C0752166, MONDO:0015229.

Allele frequency attached by ClinVar (database versions not stated): gnomAD 0.00004; TOPMed 0.00005; ExAC 0.00006; gnomAD exomes 0.00006; 1000 Genomes Project 30x 0.00016; 1000 Genomes Project 0.00020.
gnomAD v4.1: 26 of 1,614,202 alleles (0.0016%); highest among the groups gnomAD compares: East Asian, 0.038%; 1 homozygote.

Submissions (6):

PreventionGenetics, part of Exact Sciences
Classification: Uncertain significance for BBS12-related condition. Last evaluated: 2026-04-17. Review status: criteria provided, single submitter. Criteria: ACMG Guidelines, 2015. Collection method: clinical testing. Allele origin: germline.
Comment: The BBS12 c.1289A>G variant is predicted to result in the amino acid substitution p.Lys430Arg. To our knowledge, this variant has not been reported in the literature. This variant is reported in 0.095% of alleles in individuals of East Asian descent in gnomAD, which may be too common to be a primary cause of disease. Although we suspect that this variant may be benign, at this time, the clinical significance of this variant is uncertain due to the absence of conclusive functional and genetic evidence.

Labcorp Genetics (formerly Invitae), Labcorp
Classification: Uncertain significance for Bardet-Biedl syndrome. Last evaluated: 2024-10-08. Review status: criteria provided, single submitter. Criteria: Invitae Variant Classification Sherloc (09022015). Collection method: clinical testing. Allele origin: germline.
Comment: This sequence change replaces lysine, which is basic and polar, with arginine, which is basic and polar, at codon 430 of the BBS12 protein (p.Lys430Arg). This variant is present in population databases (rs201158536, gnomAD 0.08%). This variant has not been reported in the literature in individuals affected with BBS12-related conditions. ClinVar contains an entry for this variant (Variation ID: 901704). Invitae Evidence Modeling of protein sequence and biophysical properties (such as structural, functional, and spatial information, amino acid conservation, physicochemical variation, residue mobility, and thermodynamic stability) has been performed for this missense variant. However, the output from this modeling did not meet the statistical confidence thresholds required to predict the impact of this variant on BBS12 protein function. In summary, the available evidence is currently insufficient to determine the role of this variant in disease. Therefore, it has been classified as a Variant of Uncertain Significance.

Blueprint Genetics
Classification: Uncertain significance. Last evaluated: 2022-06-03. Review status: criteria provided, single submitter. Criteria: ACMG Guidelines, 2015. Collection method: clinical testing. Allele origin: germline.

Fulgent Genetics
Classification: Uncertain significance for Bardet-Biedl syndrome 12. Last evaluated: 2022-05-31. Review status: criteria provided, single submitter. Criteria: ACMG Guidelines, 2015. Collection method: clinical testing. Allele origin: unknown.

New York Genome Center
Classification: Uncertain significance for Bardet-Biedl syndrome 12. Last evaluated: 2021-11-03. Review status: criteria provided, single submitter. Criteria: NYGC Assertion Criteria 2020. Collection method: clinical testing. Allele origin: germline. Observed: 1 heterozygote.

Illumina Laboratory Services, Illumina
Classification: Uncertain significance for Bardet-Biedl syndrome 12. Last evaluated: 2018-01-13. Review status: criteria provided, single submitter. Criteria: ICSL Variant Classification Criteria 13 December 2019. Collection method: clinical testing. Allele origin: germline.

NM_152618.3(BBS12):c.1289A>G (p.Lys430Arg)

Gene: BBS12 (Bardet-Biedl syndrome 12; plus strand). Cytogenetic location: 4q27.
Variant type: single nucleotide variant.
Coding change: c.1289A>G on transcript NM_152618.3 (MANE Select); coding-DNA position 1289, A replaced by G.
Protein change: p.Lys430Arg; replaces lysine 430 with arginine.
Molecular consequence: missense variant.
Genome position (GRCh38, 1-based): chr4:122,743,181, A>G. VCF-style: chr4-122743181-A-G. GRCh37 (hg19) VCF-style: chr4-123664336-A-G.
Other names: c.1289A>G, p.Lys430Arg (NM_001178007.2); short protein forms K430R.
Identifiers: ClinVar variation 901704 (VCV000901704.12), dbSNP rs201158536, ClinGen allele CA3069416.